The following is an entry in ClinVar:

NM_001029883.3(PCARE):c.1645A>T (p.Ser549Cys)

Gene: PCARE (photoreceptor cilium actin regulator; minus strand). Cytogenetic location: 2p23.2.
Variant type: single nucleotide variant.
Coding change: c.1645A>T on transcript NM_001029883.3 (MANE Select); coding-DNA position 1645, A replaced by T.
Protein change: p.Ser549Cys; replaces serine 549 with cysteine.
Molecular consequence: missense variant.
Genome position (GRCh38, 1-based): chr2:29,072,617, T>A on the plus strand (A>T on the coding strand, the complement: PCARE is on the minus strand). VCF-style: chr2-29072617-T-A. GRCh37 (hg19) VCF-style: chr2-29295483-T-A.
Other names: short protein forms S549C.
Identifiers: ClinVar variation 1942524 (VCV001942524.3), dbSNP rs750746810, ClinGen allele CA1592382.

ClinVar aggregate classification (germline): Uncertain significance. Review status: criteria provided, multiple submitters, no conflicts (2 of 4 stars). 2 submissions from 2 submitters: Uncertain significance (2). Last evaluated 2022-02-02.

Allele frequency attached by ClinVar (database versions not stated): TOPMed below 0.00001; ExAC 0.00001; gnomAD 0.00001.

Submissions (2):

Labcorp Genetics (formerly Invitae), Labcorp
Classification: Uncertain significance. Last evaluated: 2022-02-02. Review status: criteria provided, single submitter. Criteria: Invitae Variant Classification Sherloc (09022015). Collection method: clinical testing. Allele origin: germline.
Comment: This sequence change replaces serine, which is neutral and polar, with cysteine, which is neutral and slightly polar, at codon 549 of the PCARE protein (p.Ser549Cys). This variant is present in population databases (rs750746810, gnomAD 0.0009%). This variant has not been reported in the literature in individuals affected with PCARE-related conditions. Algorithms developed to predict the effect of missense changes on protein structure and function (SIFT, PolyPhen-2, Align-GVGD) all suggest that this variant is likely to be disruptive. In summary, the available evidence is currently insufficient to determine the role of this variant in disease. Therefore, it has been classified as a Variant of Uncertain Significance.

Blueprint Genetics
Classification: Uncertain significance. Last evaluated: 2019-11-13. Review status: criteria provided, single submitter. Criteria: ACMG Guidelines, 2015. Collection method: clinical testing. Allele origin: germline.